The following is an entry in ClinVar:

ClinVar aggregate classification (germline): Uncertain significance (1 of 4 stars; one submission).

Allele frequency attached by ClinVar (database versions not stated): ExAC 0.00002; gnomAD exomes 0.00003 and 0.00004; TOPMed 0.00003; gnomAD 0.00007; ESP Exome Variant Server 0.00008; 1000 Genomes Project 30x 0.00016; 1000 Genomes Project 0.00020.

Submission:

Labcorp Genetics (formerly Invitae), Labcorp
Classification: Uncertain significance. Last evaluated: 2022-05-30. Review status: criteria provided, single submitter. Criteria: Invitae Variant Classification Sherloc (09022015). Collection method: clinical testing. Allele origin: germline.
Comment: This sequence change replaces methionine, which is neutral and non-polar, with threonine, which is neutral and polar, at codon 2214 of the GPR179 protein (p.Met2214Thr). This variant is present in population databases (rs190716378, gnomAD 0.02%). This variant has not been reported in the literature in individuals affected with GPR179-related conditions. ClinVar contains an entry for this variant (Variation ID: 1417813). Algorithms developed to predict the effect of missense changes on protein structure and function (SIFT, PolyPhen-2, Align-GVGD) all suggest that this variant is likely to be tolerated. In summary, the available evidence is currently insufficient to determine the role of this variant in disease. Therefore, it has been classified as a Variant of Uncertain Significance.

NM_001004334.4(GPR179):c.6641T>C (p.Met2214Thr)

Gene: GPR179 (G protein-coupled receptor 179; minus strand). Cytogenetic location: 17q12.
Variant type: single nucleotide variant.
Coding change: c.6641T>C on transcript NM_001004334.4 (MANE Select); coding-DNA position 6641, T replaced by C.
Protein change: p.Met2214Thr; replaces methionine 2214 with threonine.
Molecular consequence: missense variant.
Genome position (GRCh38, 1-based): chr17:38,326,928, A>G on the plus strand (T>C on the coding strand, the complement: GPR179 is on the minus strand). VCF-style: chr17-38326928-A-G. GRCh37 (hg19) VCF-style: chr17-36482811-A-G.
Other names: short protein forms M2214T.
Identifiers: ClinVar variation 1417813 (VCV001417813.6), dbSNP rs190716378, ClinGen allele CA290102870.
Genomic context (GRCh38, chr17:38,326,928, plus strand): 5'-ATTTTATTTCCTTCTGGATCTGTGATTTCCCATTGGCACAGCTCTGCCATCCTGCTTCCC[A>G]TGCTGCCTGCTTCCTTGGGGCTGACTTTGAGTTCTGGGTCCAGGGCACCTGACTGGGGCA-3'
Protein context (NP_001004334.3, residues 2204-2224): LKVSPKEAGS[Met2214Thr]GSRMAELCQW